The following is an entry in ClinVar:

ClinVar aggregate classification (germline): Uncertain significance. Review status: criteria provided, multiple submitters, no conflicts (2 of 4 stars). 2 submissions from 2 submitters: Uncertain significance (2). Last evaluated 2022-02-24.

Conditions:
Inborn genetic diseases. Identifiers: MedGen C0950123, MeSH D030342.

Allele frequency attached by ClinVar (database versions not stated): ExAC 0.00001.

Submissions (2):

Labcorp Genetics (formerly Invitae), Labcorp
Classification: Uncertain significance. Last evaluated: 2022-02-24. Review status: criteria provided, single submitter. Criteria: Invitae Variant Classification Sherloc (09022015). Collection method: clinical testing. Allele origin: germline.
Comment: This variant is present in population databases (rs769545291, gnomAD 0.0009%). In summary, the available evidence is currently insufficient to determine the role of this variant in disease. Therefore, it has been classified as a Variant of Uncertain Significance. Advanced modeling of protein sequence and biophysical properties (such as structural, functional, and spatial information, amino acid conservation, physicochemical variation, residue mobility, and thermodynamic stability) performed at Invitae indicates that this missense variant is not expected to disrupt NEFH protein function. This variant has not been reported in the literature in individuals affected with NEFH-related conditions. This sequence change replaces lysine, which is basic and polar, with glutamic acid, which is acidic and polar, at codon 790 of the NEFH protein (p.Lys790Glu).

Ambry Genetics
Classification: Uncertain significance for Inborn genetic diseases. Last evaluated: 2020-08-04. Review status: criteria provided, single submitter. Criteria: Ambry Variant Classification Scheme 2023. Collection method: clinical testing. Allele origin: germline.
Comment: The p.K790E variant (also known as c.2368A>G), located in coding exon 4 of the NEFH gene, results from an A to G substitution at nucleotide position 2368. The lysine at codon 790 is replaced by glutamic acid, an amino acid with similar properties. This amino acid position is well conserved in available vertebrate species. In addition, this alteration is predicted to be tolerated by in silico analysis. Since supporting evidence is limited at this time, the clinical significance of this alteration remains unclear.

NM_021076.4(NEFH):c.2368A>G (p.Lys790Glu)

Gene: NEFH (neurofilament heavy chain; plus strand). Cytogenetic location: 22q12.2.
Variant type: single nucleotide variant.
Coding change: c.2368A>G on transcript NM_021076.4 (MANE Select); coding-DNA position 2368, A replaced by G.
Protein change: p.Lys790Glu; replaces lysine 790 with glutamic acid.
Molecular consequence: missense variant.
Genome position (GRCh38, 1-based): chr22:29,490,008, A>G. VCF-style: chr22-29490008-A-G. GRCh37 (hg19) VCF-style: chr22-29885997-A-G.
Other names: short protein forms K790E.
Identifiers: ClinVar variation 1790242 (VCV001790242.7), dbSNP rs769545291, ClinGen allele CA10174412.
Genomic context (GRCh38, chr22:29,490,008, plus strand): 5'-GCGAAGGAGGAAGCAAGGTCCCCTGCAGACAAATTCCCTGAAAAGGCCAAAAGCCCTGTC[A>G]AGGAGGAGGTCAAGTCCCCAGAGAAGGCGAAATCTCCCCTGAAGGAGGATGCCAAGGCCC-3'
Protein context (NP_066554.2, residues 780-800): KFPEKAKSPV[Lys790Glu]EEVKSPEKAK